The following is an entry in ClinVar:

NM_007078.3(LDB3):c.764A>G (p.Lys255Arg)

Gene: LDB3 (LIM domain binding 3; plus strand). Cytogenetic location: 10q23.2.
Variant type: single nucleotide variant.
Coding change: c.764A>G on transcript NM_007078.3 (MANE Select); coding-DNA position 764, A replaced by G.
Protein change: p.Lys255Arg; replaces lysine 255 with arginine.
Molecular consequence: missense variant.
Genome position (GRCh38, 1-based): chr10:86,691,970, A>G. VCF-style: chr10-86691970-A-G. GRCh37 (hg19) VCF-style: chr10-88451727-A-G.
Other names: c.764A>G (NM_007078.2); c.623A>G, p.Lys208Arg (NM_001080114.2, NM_001368066.1, NM_001368067.1 and 2 more transcripts); c.764A>G, p.Lys255Arg (NM_001080115.2, NM_001368063.1, NM_001368064.1 and 1 more transcripts); c.968A>G, p.Lys323Arg (NM_001171610.2, NM_001171611.2); short protein forms K208R, K255R, K323R.
Identifiers: ClinVar variation 191698 (VCV000191698.12), dbSNP rs199739130, ClinGen allele CA237295.

ClinVar aggregate classification (germline): Uncertain significance. Review status: criteria provided, multiple submitters, no conflicts (2 of 4 stars). 4 submissions from 4 submitters: Uncertain significance (4). Last evaluated 2024-12-18.

Conditions:
Cardiovascular phenotype. Identifiers: MedGen CN230736.
Myofibrillar myopathy 4. Also called: Zaspopathy (type). Identifiers: Orphanet 98912, MedGen C4721886, MONDO:0012277, OMIM 609452.

Allele frequency attached by ClinVar (database versions not stated): gnomAD exomes below 0.00001 and 0.00001; ExAC 0.00001; TOPMed 0.00002; gnomAD 0.00004.
gnomAD v4.1: 13 of 1,614,082 alleles (0.00081%); highest among the groups gnomAD compares: Non-Finnish European, 0.001%; no homozygotes.

Submissions (4):

Labcorp Genetics (formerly Invitae), Labcorp
Classification: Uncertain significance for Myofibrillar myopathy 4. Last evaluated: 2024-12-18. Review status: criteria provided, single submitter. Criteria: Invitae Variant Classification Sherloc (09022015). Collection method: clinical testing. Allele origin: germline.
Comment: This sequence change replaces lysine, which is basic and polar, with arginine, which is basic and polar, at codon 208 of the LDB3 protein (p.Lys208Arg). This variant is present in population databases (rs199739130, gnomAD 0.003%). This variant has not been reported in the literature in individuals affected with LDB3-related conditions. ClinVar contains an entry for this variant (Variation ID: 191698). An algorithm developed to predict the effect of missense changes on protein structure and function (PolyPhen-2) suggests that this variant is likely to be tolerated. In summary, the available evidence is currently insufficient to determine the role of this variant in disease. Therefore, it has been classified as a Variant of Uncertain Significance.

GeneDx
Classification: Uncertain significance. Last evaluated: 2024-11-19. Review status: criteria provided, single submitter. Criteria: GeneDx Variant Classification Process June 2021. Collection method: clinical testing. Allele origin: germline. Affected: yes.
Comment: Not observed at significant frequency in large population cohorts (gnomAD); In silico analysis indicates that this missense variant does not alter protein structure/function; This variant is associated with the following publications: (PMID: 23785128)

Ambry Genetics
Classification: Uncertain significance for Cardiovascular phenotype. Last evaluated: 2020-01-16. Review status: criteria provided, single submitter. Criteria: Ambry Variant Classification Scheme 2023. Collection method: clinical testing. Allele origin: germline.
Comment: The p.K255R variant (also known as c.764A>G), located in coding exon 5 of the LDB3 gene, results from an A to G substitution at nucleotide position 764. The lysine at codon 255 is replaced by arginine, an amino acid with highly similar properties. This variant was identified in one individual with dilated cardiomyopathy (Mook OR et al. J. Med. Genet., 2013 Sep;50:614-26). This amino acid position is not well conserved in available vertebrate species. In addition, this alteration is predicted to be tolerated by in silico analysis. Since supporting evidence is limited at this time, the clinical significance of this alteration remains unclear.

Biesecker Lab/Clinical Genomics Section, National Institutes of Health
Classification: Uncertain significance. Last evaluated: 2013-06-24. Review status: criteria provided, single submitter. Criteria: Ng et al. (Circ Cardiovasc Genet. 2013). Collection method: research. Allele origin: unknown. Observed: 1 variant allele. Study: ClinSeq.
Comment: The study set was not selected for affection status in relation to any cancer. Pathogenicity categories were based on literature curation. See Pubmed ID:23861362 for details.

Medical sequencing

Literature cited by the submitters: PubMed 23785128 (cited by Ambry Genetics).